The following is an entry in ClinVar:

NM_023036.6(DNAI2):c.1260_1293del (p.Thr421fs)

Gene: DNAI2 (dynein axonemal intermediate chain 2; plus strand). Cytogenetic location: 17q25.1.
Variant type: Deletion.
Coding change: c.1260_1293del on transcript NM_023036.6 (MANE Select); coding-DNA positions 1260 to 1293, 34 bases deleted.
Protein change: p.Thr421fs; shifts the reading frame from threonine 421.
Molecular consequence: frameshift variant. On other transcripts: non-coding transcript variant (1).
Genome position (GRCh38, 1-based): chr17:74,309,301-74,309,334, 34 bases deleted; deleting any 34 consecutive bases within chr17:74,309,299-74,309,334 gives the same sequence; the c. name uses the placement nearest the transcript's 3' end. GRCh37 (hg19): chr17:72,305,440-72,305,473.
Other names: c.1260_1293del, p.Thr421fs (NM_001172810.3, NM_001353167.2); short protein forms T421fs.
Identifiers: ClinVar variation 1452380 (VCV001452380.6), dbSNP rs2144105381, ClinGen allele CA2573154815.

ClinVar aggregate classification (germline): Pathogenic (1 of 4 stars; one submission).

Conditions:
Primary ciliary dyskinesia. Also called: Ciliary dyskinesia. Identifiers: Orphanet 244, MedGen C0008780, MONDO:0016575, HP:0012265.

Submission:

Labcorp Genetics (formerly Invitae), Labcorp
Classification: Pathogenic for Primary ciliary dyskinesia. Last evaluated: 2020-11-02. Review status: criteria provided, single submitter. Criteria: Invitae Variant Classification Sherloc (09022015). Collection method: clinical testing. Allele origin: germline.
Comment: For these reasons, this variant has been classified as Pathogenic. This variant has not been reported in the literature in individuals with DNAI2-related conditions. This variant is not present in population databases (ExAC no frequency). This sequence change creates a premature translational stop signal (p.Thr421Trpfs*17) in the DNAI2 gene. It is expected to result in an absent or disrupted protein product. Loss-of-function variants in DNAI2 are known to be pathogenic (PMID: 18950741, 23891469).

Literature cited by the submitters: PubMed 18950741; PubMed 23891469.